The following is an entry in ClinVar:

NM_175875.5(SIX5):c.1366C>T (p.Leu456Phe)

Gene: SIX5 (SIX homeobox 5; minus strand). Cytogenetic location: 19q13.32.
Variant type: single nucleotide variant.
Coding change: c.1366C>T on transcript NM_175875.5 (MANE Select); coding-DNA position 1366, C replaced by T.
Protein change: p.Leu456Phe; replaces leucine 456 with phenylalanine.
Molecular consequence: missense variant.
Genome position (GRCh38, 1-based): chr19:45,766,593, G>A on the plus strand (C>T on the coding strand, the complement: SIX5 is on the minus strand). VCF-style: chr19-45766593-G-A. GRCh37 (hg19) VCF-style: chr19-46269851-G-A.
Other names: short protein forms L456F.
Identifiers: ClinVar variation 444476 (VCV000444476.54), dbSNP rs569540038, ClinGen allele CA9520634.
Genomic context (GRCh38, chr19:45,766,593, plus strand): 5'-GCAGGTTCAATAGTGGGGAGGTGGGGCTCAGGCCCGTGGGATACCCCGGGGGTGGGGAGA[G>A]CGGTACCACTTGTGGGGCAGCCACAGCAGGCACTGGCCCCGGGGGCAGAGGAAAGGTGGC-3'
Protein context (NP_787071.3, residues 446-466): PAVAAPQVVP[Leu456Phe]SPPPGYPTGL

ClinVar aggregate classification (germline): Conflicting classifications of pathogenicity. Review status: criteria provided, conflicting classifications (1 of 4 stars). 6 submissions from 6 submitters: Uncertain significance (2); Benign (1); Likely benign (2). 1 of the submissions does not count toward it. Last evaluated 2026-01-12.

Conditions:
SIX5-related disorder. Also called: SIX5-related condition.

Allele frequency attached by ClinVar (database versions not stated): gnomAD 0.00019 and 0.00025; TOPMed 0.00022; ExAC 0.00045; gnomAD exomes 0.00053; 1000 Genomes Project 30x 0.00062; 1000 Genomes Project 0.00080.
gnomAD v4.1: 555 of 1,470,120 alleles (0.038%); highest among the groups gnomAD compares: Middle Eastern, 0.3%; 2 homozygotes.

Submissions (6):

Labcorp Genetics (formerly Invitae), Labcorp
Classification: Likely benign. Last evaluated: 2026-01-12. Review status: criteria provided, single submitter. Criteria: Invitae Variant Classification Sherloc (09022015). Collection method: clinical testing. Allele origin: germline.

Blueprint Genetics
Classification: Likely benign. Last evaluated: 2024-11-23. Review status: criteria provided, single submitter. Criteria: ACMG Guidelines, 2015. Collection method: clinical testing. Allele origin: germline.

Ambry Genetics
Classification: Uncertain significance. Last evaluated: 2021-08-02. Review status: criteria provided, single submitter. Criteria: Ambry Variant Classification Scheme 2023. Collection method: clinical testing. Allele origin: germline.

GeneDx
Classification: Benign. Last evaluated: 2020-03-12. Review status: criteria provided, single submitter. Criteria: GeneDx Variant Classification Process June 2021. Collection method: clinical testing. Allele origin: germline. Affected: yes.

CeGaT Center for Human Genetics Tuebingen
Classification: Uncertain significance. Last evaluated: 2017-05-01. Review status: criteria provided, single submitter. Criteria: CeGaT Center For Human Genetics Tuebingen Variant Classification Criteria Version 2. Collection method: clinical testing. Allele origin: germline. Affected: yes. Observed: 1 variant allele.

PreventionGenetics, part of Exact Sciences
Classification: Likely benign for SIX5-related condition. Last evaluated: 2021-03-11. Review status: no assertion criteria provided. Collection method: clinical testing. Allele origin: germline. Not counted in ClinVar's aggregate classification.
Comment: This variant is classified as likely benign based on ACMG/AMP sequence variant interpretation guidelines (Richards et al. 2015 PMID: 25741868, with internal and published modifications).